The following is an entry in ClinVar:

NM_014946.4(SPAST):c.682+5G>T

Gene: SPAST (spastin; plus strand). Cytogenetic location: 2p22.3.
Variant type: single nucleotide variant.
Coding change: c.682+5G>T on transcript NM_014946.4 (MANE Select); 5 bases into the intron after coding-DNA position 682, G replaced by T.
Molecular consequence: intron variant.
Genome position (GRCh38, 1-based): chr2:32,098,896, G>T. VCF-style: chr2-32098896-G-T. GRCh37 (hg19) VCF-style: chr2-32323965-G-T.
Other names: c.586+9291G>T (NM_199436.2, NM_001377959.1); c.679+5G>T (NM_001363823.2); c.583+9291G>T (NM_001363875.2).
Identifiers: ClinVar variation 1710857 (VCV001710857.3), dbSNP rs2465793323, ClinGen allele CA2580066384.

ClinVar aggregate classification (germline): Uncertain significance (1 of 4 stars; one submission).

Submission:

GeneDx
Classification: Uncertain significance. Last evaluated: 2025-06-06. Review status: criteria provided, single submitter. Criteria: GeneDx Variant Classification Process June 2021. Collection method: clinical testing. Allele origin: germline. Affected: yes.
Comment: Not observed at significant frequency in large population cohorts (gnomAD); Intronic +5 splice site variant in a gene for which loss of function is a known mechanism of disease, and both splice predictors and evolutionary conservation support a deleterious effect, although in the absence of functional evidence the actual effect of this sequence change is unknown.; Has not been previously published as pathogenic or benign to our knowledge